The following is an entry in ClinVar:

ClinVar aggregate classification (germline): Benign/Likely benign. Review status: criteria provided, multiple submitters, no conflicts (2 of 4 stars). 4 submissions from 4 submitters: Benign (1); Likely benign (3). Last evaluated 2026-01-21.

Conditions:
X-linked intellectual disability, Cantagrel type (XLID98). Also called: INTELLECTUAL DEVELOPMENTAL DISORDER, X-LINKED 98. Identifiers: Orphanet 85277, MedGen C3806730, MONDO:0010483, OMIM 300912.

Allele frequency attached by ClinVar (database versions not stated): gnomAD exomes 0.00001 and 0.00005; ExAC 0.00006; gnomAD 0.00009 and 0.00010; TOPMed 0.00011.
gnomAD v4.1: 24 of 1,209,769 alleles (0.002%); highest among the groups gnomAD compares: Admixed American, 0.046%; no homozygotes.

Submissions (4):

Labcorp Genetics (formerly Invitae), Labcorp
Classification: Benign. Last evaluated: 2026-01-21. Review status: criteria provided, single submitter. Criteria: Invitae Variant Classification Sherloc (09022015). Collection method: clinical testing. Allele origin: germline.

CeGaT Center for Human Genetics Tuebingen
Classification: Likely benign. Last evaluated: 2026-01-01. Review status: criteria provided, single submitter. Criteria: CeGaT Center For Human Genetics Tuebingen Variant Classification Criteria Version 2. Collection method: clinical testing. Allele origin: germline. Affected: yes. Observed: 1 variant allele.
Comment: NEXMIF: BP4, BS2

ARUP Laboratories, Molecular Genetics and Genomics, ARUP Laboratories
Classification: Likely benign for X-linked intellectual disability, Cantagrel type. Last evaluated: 2024-12-26. Review status: criteria provided, single submitter. Criteria: ARUP Molecular Germline Variant Investigation Process 2024. Collection method: clinical testing. Allele origin: germline.

Ambry Genetics
Classification: Likely benign. Last evaluated: 2024-04-06. Review status: criteria provided, single submitter. Criteria: Ambry Variant Classification Scheme 2023. Collection method: clinical testing. Allele origin: germline.

NM_001008537.3(NEXMIF):c.2851G>A (p.Asp951Asn)

Gene: NEXMIF (neurite extension and migration factor; minus strand). Cytogenetic location: Xq13.3.
Variant type: single nucleotide variant.
Coding change: c.2851G>A on transcript NM_001008537.3 (MANE Select); coding-DNA position 2851, G replaced by A.
Protein change: p.Asp951Asn; replaces aspartic acid 951 with asparagine.
Molecular consequence: missense variant.
Genome position (GRCh38, 1-based): chrX:74,741,706, C>T on the plus strand (G>A on the coding strand, the complement: NEXMIF is on the minus strand). VCF-style: chrX-74741706-C-T. GRCh37 (hg19) VCF-style: chrX-73961541-C-T.
Other names: short protein forms D951N.
Identifiers: ClinVar variation 709643 (VCV000709643.18), dbSNP rs771918287, ClinGen allele CA10454998.